The following is an entry in ClinVar:

ClinVar aggregate classification (germline): Likely pathogenic (1 of 4 stars; one submission).

Conditions:
Autosomal recessive limb-girdle muscular dystrophy type 2J (LGMDR10). Also called: Limb-girdle muscular dystrophy, type 2J; MUSCULAR DYSTROPHY, LIMB-GIRDLE, AUTOSOMAL RECESSIVE 10. Identifiers: Orphanet 140922, MedGen C1837342, MONDO:0012127, OMIM 608807.
Dilated cardiomyopathy 1G (CMD1G). Identifiers: Orphanet 154, MedGen C1858763, MONDO:0011400, OMIM 604145.

Submission:

Labcorp Genetics (formerly Invitae), Labcorp
Classification: Likely pathogenic for Dilated cardiomyopathy 1G; Autosomal recessive limb-girdle muscular dystrophy type 2J. Last evaluated: 2025-04-26. Review status: criteria provided, single submitter. Criteria: Invitae Variant Classification Sherloc (09022015). Collection method: clinical testing. Allele origin: germline.
Comment: This sequence change creates a premature translational stop signal (p.Gln28258*) in the TTN gene. While this is not anticipated to result in nonsense mediated decay, it is expected to create a truncated TTN protein. This variant is not present in population databases (gnomAD no frequency). This variant has not been reported in the literature in individuals affected with TTN-related conditions. This variant is located in the A band of TTN (PMID: 25589632). Truncating variants in this region are significantly overrepresented in patients affected with dilated cardiomyopathy (PMID: 25589632). Truncating variants in this region have also been reported in individuals affected with autosomal recessive centronuclear myopathy (PMID: 23975875). In summary, the currently available evidence indicates that the variant is pathogenic, but additional data are needed to prove that conclusively. Therefore, this variant has been classified as Likely Pathogenic.

Literature cited by the submitters: PubMed 25589632; PubMed 23975875.

NM_001267550.2(TTN):c.84772C>T (p.Gln28258Ter)

Genes: TTN (titin; minus strand), TTN-AS1 (TTN antisense RNA 1; plus strand). Cytogenetic location: 2q31.2.
Variant type: single nucleotide variant.
Coding change: c.84772C>T on transcript NM_001267550.2 (MANE Select); coding-DNA position 84772, C replaced by T.
Protein change: p.Gln28258Ter; replaces glutamine 28258 with a stop codon.
Molecular consequence: nonsense.
Genome position (GRCh38, 1-based): chr2:178,561,360, G>A on the plus strand (C>T on the coding strand, the complement: TTN is on the minus strand). VCF-style: chr2-178561360-G-A. GRCh37 (hg19) VCF-style: chr2-179426087-G-A.
Other names: c.79849C>T, p.Gln26617Ter (NM_001256850.1); c.57577C>T, p.Gln19193Ter (NM_003319.4); c.77068C>T, p.Gln25690Ter (NM_133378.4); c.57952C>T, p.Gln19318Ter (NM_133432.3); c.58153C>T, p.Gln19385Ter (NM_133437.4); short protein forms Q19318*, Q19385*, Q19193*, Q25690*, Q26617*, Q28258*.
Identifiers: ClinVar variation 4784837 (VCV004784837.1).